The following is an entry in ClinVar:

NM_001204.7(BMPR2):c.2678G>C (p.Arg893Pro)

Gene: BMPR2 (bone morphogenetic protein receptor type 2; plus strand). Cytogenetic location: 2q33.2.
Variant type: single nucleotide variant.
Coding change: c.2678G>C on transcript NM_001204.7 (MANE Select); coding-DNA position 2678, G replaced by C.
Protein change: p.Arg893Pro; replaces arginine 893 with proline.
Molecular consequence: missense variant.
Genome position (GRCh38, 1-based): chr2:202,556,343, G>C. VCF-style: chr2-202556343-G-C. GRCh37 (hg19) VCF-style: chr2-203421066-G-C.
Other names: short protein forms R893P.
Identifiers: ClinVar variation 3992066 (VCV003992066.1).

ClinVar aggregate classification (germline): Uncertain significance (1 of 4 stars; one submission).

Conditions:
Inborn genetic diseases. Identifiers: MedGen C0950123, MeSH D030342.

gnomAD v4.1: 15 of 1,614,174 alleles (0.00093%); highest among the groups gnomAD compares: Non-Finnish European, 0.0013%; no homozygotes.

Submission:

Ambry Genetics
Classification: Uncertain significance for Inborn genetic diseases. Last evaluated: 2025-03-26. Review status: criteria provided, single submitter. Criteria: Ambry Variant Classification Scheme 2023. Collection method: clinical testing. Allele origin: germline.
Comment: The p.R893P variant (also known as c.2678G>C), located in coding exon 12 of the BMPR2 gene, results from a G to C substitution at nucleotide position 2678. The arginine at codon 893 is replaced by proline, an amino acid with dissimilar properties. This amino acid position is conserved. In addition, this alteration is predicted to be deleterious by in silico analysis. Based on the available evidence, the clinical significance of this variant remains unclear.